The following is an entry in ClinVar:

ClinVar aggregate classification (germline): Uncertain significance (1 of 4 stars; one submission).

Allele frequency attached by ClinVar (database versions not stated): gnomAD 0.00002; TOPMed 0.00002.
gnomAD v4.1: 8 of 1,604,482 alleles (0.0005%); highest among the groups gnomAD compares: African/African-American, 0.0013%; no homozygotes.

Submission:

Labcorp Genetics (formerly Invitae), Labcorp
Classification: Uncertain significance. Last evaluated: 2024-01-21. Review status: criteria provided, single submitter. Criteria: Invitae Variant Classification Sherloc (09022015). Collection method: clinical testing. Allele origin: germline.
Comment: This sequence change replaces aspartic acid, which is acidic and polar, with glycine, which is neutral and non-polar, at codon 1053 of the NYNRIN protein (p.Asp1053Gly). This variant is present in population databases (no rsID available, gnomAD 0.0009%). This variant has not been reported in the literature in individuals affected with NYNRIN-related conditions. Experimental studies and prediction algorithms are not available or were not evaluated, and the functional significance of this variant is currently unknown. In summary, the available evidence is currently insufficient to determine the role of this variant in disease. Therefore, it has been classified as a Variant of Uncertain Significance.

NM_025081.3(NYNRIN):c.3158A>G (p.Asp1053Gly)

Gene: NYNRIN (NYN domain and retroviral integrase containing; plus strand). Cytogenetic location: 14q12.
Variant type: single nucleotide variant.
Coding change: c.3158A>G on transcript NM_025081.3 (MANE Select); coding-DNA position 3158, A replaced by G.
Protein change: p.Asp1053Gly; replaces aspartic acid 1053 with glycine.
Molecular consequence: missense variant.
Genome position (GRCh38, 1-based): chr14:24,414,907, A>G. VCF-style: chr14-24414907-A-G. GRCh37 (hg19) VCF-style: chr14-24884113-A-G.
Other names: short protein forms D1053G.
Identifiers: ClinVar variation 2703508 (VCV002703508.3), dbSNP rs936733579, ClinGen allele CA257937347.